The following is an entry in ClinVar:

NM_000051.4(ATM):c.7325A>G (p.Gln2442Arg)

Genes: ATM (ATM serine/threonine kinase; plus strand), C11orf65 (chromosome 11 open reading frame 65; minus strand). Cytogenetic location: 11q22.3.
Variant type: single nucleotide variant.
Coding change: c.7325A>G on transcript NM_000051.4 (MANE Select); coding-DNA position 7325, A replaced by G.
Protein change: p.Gln2442Arg; replaces glutamine 2442 with arginine.
Molecular consequence: missense variant. On other transcripts: intron variant (2).
Genome position (GRCh38, 1-based): chr11:108,330,231, A>G. VCF-style: chr11-108330231-A-G. GRCh37 (hg19) VCF-style: chr11-108200958-A-G.
Other names: c.7325A>G, p.Gln2442Arg (NM_001351834.2); c.641-21160T>C (NM_001330368.2); c.*38+4989T>C (NM_001351110.2); short protein forms Q2442R.
Identifiers: ClinVar variation 923357 (VCV000923357.11), dbSNP rs1591159790, ClinGen allele CA382559893.

ClinVar aggregate classification (germline): Uncertain significance. Review status: criteria provided, multiple submitters, no conflicts (2 of 4 stars). 3 submissions from 3 submitters: Uncertain significance (3). Last evaluated 2024-03-15.

Conditions:
Hereditary cancer-predisposing syndrome. Also called: Tumor predisposition; Neoplastic Syndromes, Hereditary; Hereditary neoplastic syndrome; Hereditary Cancer Syndrome. Identifiers: Orphanet 140162, MedGen C0027672, MeSH D009386, MONDO:0015356.
Ataxia-telangiectasia syndrome (AT). Also called: Ataxia-telangiectasia, complementation group D; AT, COMPLEMENTATION GROUP C; ATAXIA-TELANGIECTASIA, COMPLEMENTATION GROUP A; ATAXIA-TELANGIECTASIA, FRESNO VARIANT; Ataxia-telangiectasia; Ataxia telangiectasia (A-T). Identifiers: Orphanet 100, MedGen C0004135, MONDO:0008840, OMIM 208900.

Submissions (3):

Blueprint Genetics
Classification: Uncertain significance. Last evaluated: 2024-03-15. Review status: criteria provided, single submitter. Criteria: ACMG Guidelines, 2015. Collection method: clinical testing. Allele origin: germline.

Color Diagnostics, LLC DBA Color Health
Classification: Uncertain significance for Hereditary cancer-predisposing syndrome. Last evaluated: 2024-03-06. Review status: criteria provided, single submitter. Criteria: ACMG Guidelines, 2015. Collection method: clinical testing. Allele origin: germline.
Comment: This missense variant replaces glutamine with arginine at codon 2442 of the ATM protein. Computational prediction is inconclusive regarding the impact of this variant on protein structure and function (internally defined REVEL score threshold 0.5 < inconclusive < 0.7, PMID: 27666373). Splice site prediction tools suggest that this variant may not impact RNA splicing. To our knowledge, functional studies have not been reported for this variant. This variant has not been reported in individuals affected with hereditary cancer in the literature. This variant has not been identified in the general population by the Genome Aggregation Database (gnomAD). The available evidence is insufficient to determine the role of this variant in disease conclusively. Therefore, this variant is classified as a Variant of Uncertain Significance.

Labcorp Genetics (formerly Invitae), Labcorp
Classification: Uncertain significance for Ataxia-telangiectasia syndrome. Last evaluated: 2021-08-28. Review status: criteria provided, single submitter. Criteria: Invitae Variant Classification Sherloc (09022015). Collection method: clinical testing. Allele origin: germline.
Comment: This sequence change replaces glutamine with arginine at codon 2442 of the ATM protein (p.Gln2442Arg). The glutamine residue is moderately conserved and there is a small physicochemical difference between glutamine and arginine. This variant is not present in population databases (ExAC no frequency). This variant has not been reported in the literature in individuals affected with ATM-related conditions. Algorithms developed to predict the effect of missense changes on protein structure and function are either unavailable or do not agree on the potential impact of this missense change (SIFT: "Tolerated"; PolyPhen-2: "Possibly Damaging"; Align-GVGD: "Class C0"). Algorithms developed to predict the effect of sequence changes on RNA splicing suggest that this variant may create or strengthen a splice site. In summary, the available evidence is currently insufficient to determine the role of this variant in disease. Therefore, it has been classified as a Variant of Uncertain Significance.